The following is an entry in ClinVar:

ClinVar aggregate classification (germline): Uncertain significance. Review status: criteria provided, multiple submitters, no conflicts (2 of 4 stars). 3 submissions from 3 submitters: Uncertain significance (3). Last evaluated 2025-12-09.

Conditions:
BRIP1-related disorder. Also called: BRIP1-related condition; BRIP1-related disorders. Identifiers: MedGen CN239206.
Hereditary cancer-predisposing syndrome. Also called: Hereditary neoplastic syndrome; Neoplastic Syndromes, Hereditary; Tumor predisposition; Hereditary Cancer Syndrome. Identifiers: Orphanet 140162, MedGen C0027672, MeSH D009386, MONDO:0015356.
Fanconi anemia complementation group J. Also called: BRIP1-Related Fanconi Anemia. Identifiers: Orphanet 84, MedGen C1836860, MONDO:0012187, OMIM 609054.
Familial cancer of breast. Also called: BREAST CANCER, FAMILIAL; hereditary breast carcinoma; Hereditary breast cancer. Identifiers: Orphanet 227535, MedGen C0346153, MONDO:0016419, OMIM 114480. Disease mechanism: loss of function.

Allele frequency attached by ClinVar (database versions not stated): gnomAD exomes below 0.00001; TOPMed below 0.00001; ExAC 0.00001.
gnomAD v4.1: 1 of 1,613,582 alleles (0.000062%); highest among the groups gnomAD compares: Non-Finnish European, 0.000085%; no homozygotes.

Submissions (3):

Labcorp Genetics (formerly Invitae), Labcorp
Classification: Uncertain significance for Familial cancer of breast; Fanconi anemia complementation group J. Last evaluated: 2025-12-09. Review status: criteria provided, single submitter. Criteria: Invitae Variant Classification Sherloc (09022015). Collection method: clinical testing. Allele origin: germline.
Comment: This sequence change replaces threonine, which is neutral and polar, with isoleucine, which is neutral and non-polar, at codon 167 of the BRIP1 protein (p.Thr167Ile). This variant is present in population databases (rs758218234, gnomAD 0.0009%). This variant has not been reported in the literature in individuals affected with BRIP1-related conditions. ClinVar contains an entry for this variant (Variation ID: 461171). Invitae Evidence Modeling of protein sequence and biophysical properties (such as structural, functional, and spatial information, amino acid conservation, physicochemical variation, residue mobility, and thermodynamic stability) indicates that this missense variant is not expected to disrupt BRIP1 protein function with a negative predictive value of 95%. In summary, the available evidence is currently insufficient to determine the role of this variant in disease. Therefore, it has been classified as a Variant of Uncertain Significance.

Ambry Genetics
Classification: Uncertain significance for Hereditary cancer-predisposing syndrome. Last evaluated: 2021-08-30. Review status: criteria provided, single submitter. Criteria: Ambry Variant Classification Scheme 2023. Collection method: clinical testing. Allele origin: germline.
Comment: The p.T167I variant (also known as c.500C>T), located in coding exon 4 of the BRIP1 gene, results from a C to T substitution at nucleotide position 500. The threonine at codon 167 is replaced by isoleucine, an amino acid with similar properties. This amino acid position is not well conserved in available vertebrate species. In addition, this alteration is predicted to be tolerated by in silico analysis. Since supporting evidence is limited at this time, the clinical significance of this alteration remains unclear.

GeneDx
Classification: Uncertain significance. Last evaluated: 2019-07-08. Review status: criteria provided, single submitter. Criteria: GeneDx Variant Classification Process June 2021. Collection method: clinical testing. Allele origin: germline. Affected: yes.
Comment: Not observed at a significant frequency in large population cohorts (Lek et al., 2016); Has not been previously published as pathogenic or benign to our knowledge

NM_032043.3(BRIP1):c.500C>T (p.Thr167Ile)

Gene: BRIP1 (BRCA1 interacting DNA helicase 1; minus strand). Cytogenetic location: 17q23.2.
Variant type: single nucleotide variant.
Coding change: c.500C>T on transcript NM_032043.3 (MANE Select); coding-DNA position 500, C replaced by T.
Protein change: p.Thr167Ile; replaces threonine 167 with isoleucine.
Molecular consequence: missense variant.
Genome position (GRCh38, 1-based): chr17:61,849,136, G>A on the plus strand (C>T on the coding strand, the complement: BRIP1 is on the minus strand). VCF-style: chr17-61849136-G-A. GRCh37 (hg19) VCF-style: chr17-59926497-G-A.
Other names: short protein forms T167I.
Identifiers: ClinVar variation 461171 (VCV000461171.18), dbSNP rs758218234, ClinGen allele CA8690926.
Genomic context (GRCh38, chr17:61,849,136, plus strand): 5'-CCATGTTCAGCTGTAACTAACTGGGTTATTTACTGCCAATAAACTCTGTTTACCTGCTGT[G>A]TAGTTTCTAAGGGTCGAATTCTTTTCTTCTCTACTTGAAAATCATCATTTTCATCTCTGT-3'
Protein context (NP_114432.2, residues 157-177): EKKRIRPLET[Thr167Ile]QQIRKRHCFG